The following is an entry in ClinVar:

ClinVar aggregate classification (germline): Uncertain significance (1 of 4 stars; one submission).

Conditions:
Primary ciliary dyskinesia. Also called: Ciliary dyskinesia. Identifiers: Orphanet 244, MedGen C0008780, MONDO:0016575, HP:0012265.

Submission:

Labcorp Genetics (formerly Invitae), Labcorp
Classification: Uncertain significance for Primary ciliary dyskinesia. Last evaluated: 2025-04-23. Review status: criteria provided, single submitter. Criteria: Invitae Variant Classification Sherloc (09022015). Collection method: clinical testing. Allele origin: germline.
Comment: This sequence change replaces leucine, which is neutral and non-polar, with proline, which is neutral and non-polar, at codon 815 of the DNAH8 protein (p.Leu815Pro). This variant is not present in population databases (gnomAD no frequency). This variant has not been reported in the literature in individuals affected with DNAH8-related conditions. Experimental studies and prediction algorithms are not available or were not evaluated, and the functional significance of this variant is currently unknown. In summary, the available evidence is currently insufficient to determine the role of this variant in disease. Therefore, it has been classified as a Variant of Uncertain Significance.

NM_001206927.2(DNAH8):c.2444T>C (p.Leu815Pro)

Gene: DNAH8 (dynein axonemal heavy chain 8; plus strand). Cytogenetic location: 6p21.2.
Variant type: single nucleotide variant.
Coding change: c.2444T>C on transcript NM_001206927.2 (MANE Select); coding-DNA position 2444, T replaced by C.
Protein change: p.Leu815Pro; replaces leucine 815 with proline.
Molecular consequence: missense variant.
Genome position (GRCh38, 1-based): chr6:38,786,813, T>C. VCF-style: chr6-38786813-T-C. GRCh37 (hg19) VCF-style: chr6-38754589-T-C.
Other names: c.1793T>C, p.Leu598Pro (NM_001371.4); short protein forms L598P, L815P.
Identifiers: ClinVar variation 4808901 (VCV004808901.1).